The following is an entry in ClinVar:

NM_001080510.5(METTL23):c.271C>G (p.Leu91Val)

Gene: METTL23 (methyltransferase 23, arginine; plus strand). Cytogenetic location: 17q25.1.
Variant type: single nucleotide variant.
Coding change: c.271C>G on transcript NM_001080510.5 (MANE Select); coding-DNA position 271, C replaced by G.
Protein change: p.Leu91Val; replaces leucine 91 with valine.
Molecular consequence: missense variant.
Genome position (GRCh38, 1-based): chr17:76,733,164, C>G. VCF-style: chr17-76733164-C-G. GRCh37 (hg19) VCF-style: chr17-74729246-C-G.
Other names: c.271C>G, p.Leu91Val (NM_001378349.1, NM_001206983.3, NM_001206984.3 and 2 more transcripts); c.259C>G, p.Leu87Val (NM_001378350.1, NM_001378351.1, NM_001378352.1 and 2 more transcripts); c.70C>G, p.Leu24Val (NM_001206985.3, NM_001206986.3, NM_001206987.3 and 2 more transcripts); c.271C>G (NM_001206983.1); short protein forms L91V, L24V, L87V.
Identifiers: ClinVar variation 435859 (VCV000435859.8), dbSNP rs746117702, ClinGen allele CA8790111.

ClinVar aggregate classification (germline): Conflicting classifications of pathogenicity. Review status: criteria provided, conflicting classifications (1 of 4 stars). 3 submissions from 3 submitters: Uncertain significance (2); Likely benign (1). Last evaluated 2024-09-20.

Conditions:
Intellectual developmental disorder, autosomal recessive 44. Also called: Intellectual disability, autosomal recessive 44. Identifiers: Orphanet 88616, MedGen C4014745, MONDO:0014409, OMIM 615942.
Inborn genetic diseases. Identifiers: MedGen C0950123, MeSH D030342.

Allele frequency attached by ClinVar (database versions not stated): TOPMed 0.00001; ExAC 0.00001; gnomAD exomes 0.00001; gnomAD 0.00001.
gnomAD v4.1: 13 of 1,613,824 alleles (0.00081%); highest among the groups gnomAD compares: Middle Eastern, 0.033%; no homozygotes.

Submissions (3):

3billion
Classification: Likely benign for Intellectual developmental disorder, autosomal recessive 44. Last evaluated: 2024-09-20. Review status: criteria provided, single submitter. Criteria: ACMG Guidelines, 2015. Collection method: clinical testing. Allele origin: germline. Affected: no.
Comment: The homozygous variant was found in patients diagnosed with another variant in a different gene, with no symptoms related to the gene containing the homozygous variant.

Ambry Genetics
Classification: Uncertain significance for Inborn genetic diseases. Last evaluated: 2024-04-08. Review status: criteria provided, single submitter. Criteria: Ambry Variant Classification Scheme 2023. Collection method: clinical testing. Allele origin: germline.

Genetic Services Laboratory, University of Chicago
Classification: Uncertain significance. Last evaluated: 2015-09-23. Review status: criteria provided, single submitter. Criteria: ACMG Guidelines, 2015. Collection method: clinical testing. Allele origin: germline. Affected: no.